The following is an entry in ClinVar:

NM_000492.4(CFTR):c.870-4A>G

Gene: CFTR (CF transmembrane conductance regulator; plus strand). Cytogenetic location: 7q31.2.
Variant type: single nucleotide variant.
Coding change: c.870-4A>G on transcript NM_000492.4 (MANE Select); 4 bases into the intron before coding-DNA position 870, A replaced by G.
Molecular consequence: intron variant.
Genome position (GRCh38, 1-based): chr7:117,540,096, A>G. VCF-style: chr7-117540096-A-G. GRCh37 (hg19) VCF-style: chr7-117180150-A-G.
Identifiers: ClinVar variation 918086 (VCV000918086.12), dbSNP rs755173693, ClinGen allele CA4450856.

ClinVar aggregate classification (germline): Conflicting classifications of pathogenicity. Review status: criteria provided, conflicting classifications (1 of 4 stars). 3 submissions from 3 submitters: Uncertain significance (1); Likely benign (2). Last evaluated 2025-07-31.

Conditions:
Cystic fibrosis (CF). Also called: MUCOVISCIDOSIS. Identifiers: Orphanet 586, MedGen C0010674, MONDO:0009061, OMIM 219700. Disease mechanism: loss of function.

Allele frequency attached by ClinVar (database versions not stated): gnomAD exomes below 0.00001 and 0.00002; TOPMed 0.00002; ExAC 0.00001.
gnomAD v4.1: 29 of 1,610,580 alleles (0.0018%); highest among the groups gnomAD compares: Non-Finnish European, 0.0025%; no homozygotes.

Submissions (3):

Labcorp Genetics (formerly Invitae), Labcorp
Classification: Likely benign for Cystic fibrosis. Last evaluated: 2025-07-31. Review status: criteria provided, single submitter. Criteria: Invitae Variant Classification Sherloc (09022015). Collection method: clinical testing. Allele origin: germline.

Ambry Genetics
Classification: Uncertain significance for Cystic fibrosis. Last evaluated: 2025-04-23. Review status: criteria provided, single submitter. Criteria: Ambry Variant Classification Scheme 2023. Collection method: clinical testing. Allele origin: germline.
Comment: The c.870-4A>G intronic variant results from an A to G substitution 4 nucleotides upstream from coding exon 8 in the CFTR gene. This nucleotide position is not well conserved in available vertebrate species. In silico splice site analysis predicts that this alteration may result in the creation or strengthening of a novel splice acceptor site. Based on the available evidence, the clinical significance of this variant remains unclear.

Women's Health and Genetics/Laboratory Corporation of America, LabCorp
Classification: Likely benign. Last evaluated: 2025-04-23. Review status: criteria provided, single submitter. Criteria: LabCorp Variant Classification Summary - May 2015. Collection method: clinical testing. Allele origin: germline.
Comment: Variant summary: CFTR c.870-4A>G alters a nucleotide located at a position not widely known to affect splicing. Consensus agreement among computation tools predict no significant impact on normal splicing. It was shown to have no impact on splicing in a minigene assay (Leman_2018). The variant allele was found at a frequency of 4e-06 in 249298 control chromosomes. The available data on variant occurrences in the general population are insufficient to allow any conclusion about variant significance. To our knowledge, no occurrence of c.870-4A>G in individuals affected with Cystic Fibrosis and no experimental evidence demonstrating its impact on protein function have been reported. The following publication have been ascertained in the context of this evaluation (PMID: 29750258). ClinVar contains an entry for this variant (Variation ID: 918086). Based on the evidence outlined above, the variant was classified as likely benign.

Literature cited by the submitters: PubMed 29750258 (cited by Women's Health and Genetics/Laboratory Corporation of America, LabCorp).